The following is an entry in ClinVar:

NM_020987.5(ANK3):c.7939G>C (p.Val2647Leu)

Gene: ANK3 (ankyrin 3; minus strand). Cytogenetic location: 10q21.2.
Variant type: single nucleotide variant.
Coding change: c.7939G>C on transcript NM_020987.5 (MANE Select); coding-DNA position 7939, G replaced by C.
Protein change: p.Val2647Leu; replaces valine 2647 with leucine.
Molecular consequence: missense variant. On other transcripts: intron variant (4).
Genome position (GRCh38, 1-based): chr10:60,072,942, C>G on the plus strand (G>C on the coding strand, the complement: ANK3 is on the minus strand). VCF-style: chr10-60072942-C-G. GRCh37 (hg19) VCF-style: chr10-61832700-C-G.
Other names: c.4388-4933G>C (NM_001204403.2); c.4409-4933G>C (NM_001204404.2); c.4406-4933G>C (NM_001320874.2); c.1808-4933G>C (NM_001149.4); short protein forms V2647L.
Identifiers: ClinVar variation 3049430 (VCV003049430.3), dbSNP rs2083033783, ClinGen allele CA377008945.

ClinVar aggregate classification (germline): Uncertain significance. Review status: criteria provided, single submitter (1 of 4 stars). 2 submissions from 2 submitters: Uncertain significance (1). 1 of the submissions does not count toward it. Last evaluated 2026-06-23.

Conditions:
ANK3-related disorder. Also called: ANK3-related condition.

Allele frequency attached by ClinVar (database versions not stated): TOPMed below 0.00001.

Submissions (2):

Women's Health and Genetics/Laboratory Corporation of America, LabCorp
Classification: Uncertain significance. Last evaluated: 2026-06-23. Review status: criteria provided, single submitter. Criteria: LabCorp Variant Classification Summary - May 2015. Collection method: clinical testing. Allele origin: germline.
Comment: Variant summary: ANK3 c.7939G>C (p.Val2647Leu) results in a conservative amino acid change in the encoded protein sequence. Algorithms developed to predict the effect of missense changes on protein structure and function are either unavailable or do not agree on the potential impact of this missense change. The variant was absent in 250764 control chromosomes. The available data on variant occurrences in the general population are insufficient to allow any conclusion about variant significance. To our knowledge, no occurrence of c.7939G>C in individuals affected with ANK3-related conditions and no experimental evidence demonstrating its impact on protein function have been reported. ClinVar contains an entry for this variant (Variation ID: 3049430). Based on the evidence outlined above, the variant was classified as uncertain significance.

PreventionGenetics, part of Exact Sciences
Classification: Uncertain significance for ANK3-related condition. Last evaluated: 2024-01-10. Review status: no assertion criteria provided. Collection method: clinical testing. Allele origin: germline. Not counted in ClinVar's aggregate classification.
Comment: The ANK3 c.7939G>C variant is predicted to result in the amino acid substitution p.Val2647Leu. To our knowledge, this variant has not been reported in the literature or in a large population database, indicating this variant is rare. At this time, the clinical significance of this variant is uncertain due to the absence of conclusive functional and genetic evidence.